The following is an entry in ClinVar:

NM_015978.3(TNNI3K):c.2116C>A (p.Pro706Thr)

Genes: FPGT-TNNI3K (FPGT-TNNI3K readthrough; plus strand), TNNI3K (TNNI3 interacting kinase; plus strand). Cytogenetic location: 1p31.1.
Variant type: single nucleotide variant.
Coding change: c.2116C>A on transcript NM_015978.3 (MANE Select); coding-DNA position 2116, C replaced by A.
Protein change: p.Pro706Thr; replaces proline 706 with threonine.
Molecular consequence: missense variant.
Genome position (GRCh38, 1-based): chr1:74,463,545, C>A. VCF-style: chr1-74463545-C-A. GRCh37 (hg19) VCF-style: chr1-74929229-C-A.
Other names: c.2419C>A, p.Pro807Thr (NM_001112808.3, NM_001199327.2); short protein forms P807T, P706T.
Identifiers: ClinVar variation 2770004 (VCV002770004.3), dbSNP rs2524832175, ClinGen allele CA340787616.

ClinVar aggregate classification (germline): Uncertain significance (1 of 4 stars; one submission).

Submission:

Labcorp Genetics (formerly Invitae), Labcorp
Classification: Uncertain significance. Last evaluated: 2023-10-18. Review status: criteria provided, single submitter. Criteria: Invitae Variant Classification Sherloc (09022015). Collection method: clinical testing. Allele origin: germline.
Comment: This sequence change replaces proline, which is neutral and non-polar, with threonine, which is neutral and polar, at codon 706 of the TNNI3K protein (p.Pro706Thr). This variant is not present in population databases (gnomAD no frequency). This variant has not been reported in the literature in individuals affected with TNNI3K-related conditions. An algorithm developed to predict the effect of missense changes on protein structure and function (PolyPhen-2) suggests that this variant is likely to be disruptive. In summary, the available evidence is currently insufficient to determine the role of this variant in disease. Therefore, it has been classified as a Variant of Uncertain Significance.